The following is an entry in ClinVar:

NM_000075.4(CDK4):c.133G>T (p.Gly45Cys)

Genes: CDK4 (cyclin dependent kinase 4; minus strand), LOC130008148 (ATAC-STARR-seq lymphoblastoid silent region 4588; plus strand). Cytogenetic location: 12q14.1.
Variant type: single nucleotide variant.
Coding change: c.133G>T on transcript NM_000075.4 (MANE Select); coding-DNA position 133, G replaced by T.
Protein change: p.Gly45Cys; replaces glycine 45 with cysteine.
Molecular consequence: missense variant.
Genome position (GRCh38, 1-based): chr12:57,751,585, C>A on the plus strand (G>T on the coding strand, the complement: CDK4 is on the minus strand). VCF-style: chr12-57751585-C-A. GRCh37 (hg19) VCF-style: chr12-58145368-C-A.
Other names: c.133G>T (LRG_490t1, NM_000075.3); short protein forms G45C.
Identifiers: ClinVar variation 246297 (VCV000246297.6), dbSNP rs876660318, ClinGen allele CA10584437.

ClinVar aggregate classification (germline): Uncertain significance. Review status: criteria provided, multiple submitters, no conflicts (2 of 4 stars). 3 submissions from 3 submitters: Uncertain significance (3). Last evaluated 2026-04-23.

Conditions:
Familial melanoma. Also called: Hereditary melanoma; Hereditary cutaneous melanoma. Identifiers: Orphanet 618, MedGen C1512419, MONDO:0018961.
Hereditary cancer-predisposing syndrome. Also called: Neoplastic Syndromes, Hereditary; Hereditary Cancer Syndrome; Tumor predisposition; Hereditary neoplastic syndrome. Identifiers: Orphanet 140162, MedGen C0027672, MeSH D009386, MONDO:0015356.

Allele frequency attached by ClinVar (database versions not stated): gnomAD exomes below 0.00001.

Submissions (3):

Ambry Genetics
Classification: Uncertain significance for Hereditary cancer-predisposing syndrome. Last evaluated: 2026-04-23. Review status: criteria provided, single submitter. Criteria: Ambry Variant Classification Scheme 2023. Collection method: clinical testing. Allele origin: germline.
Comment: The p.G45C variant (also known as c.133G>T), located in coding exon 1 of the CDK4 gene, results from a G to T substitution at nucleotide position 133. The glycine at codon 45 is replaced by cysteine, an amino acid with highly dissimilar properties. This amino acid position is poorly conserved in available vertebrate species. In addition, this alteration is predicted to be tolerated by in silico analysis. Based on the available evidence, the clinical significance of this variant remains unclear.

Labcorp Genetics (formerly Invitae), Labcorp
Classification: Uncertain significance for Familial melanoma. Last evaluated: 2023-01-28. Review status: criteria provided, single submitter. Criteria: Invitae Variant Classification Sherloc (09022015). Collection method: clinical testing. Allele origin: germline.
Comment: In summary, the available evidence is currently insufficient to determine the role of this variant in disease. Therefore, it has been classified as a Variant of Uncertain Significance. Algorithms developed to predict the effect of missense changes on protein structure and function are either unavailable or do not agree on the potential impact of this missense change (SIFT: "Deleterious"; PolyPhen-2: "Benign"; Align-GVGD: "Class C0"). ClinVar contains an entry for this variant (Variation ID: 246297). This variant has not been reported in the literature in individuals affected with CDK4-related conditions. This variant is not present in population databases (gnomAD no frequency). This sequence change replaces glycine, which is neutral and non-polar, with cysteine, which is neutral and slightly polar, at codon 45 of the CDK4 protein (p.Gly45Cys).

GeneDx
Classification: Uncertain significance. Last evaluated: 2016-01-04. Review status: criteria provided, single submitter. Criteria: GeneDx Variant Classification (06012015). Collection method: clinical testing. Allele origin: germline. Affected: yes.
Comment: This variant is denoted CDK4 c.133G>T at the cDNA level, p.Gly45Cys (G45C) at the protein level, and results in the change of a Glycine to a Cysteine (GGT>TGT). This variant has not, to our knowledge, been published in the literature as pathogenic or benign. CDK4 Gly45Cys was not observed in approximately 6,500 individuals of European and African American ancestry in the NHLBI Exome Sequencing Project, suggesting it is not a common benign variant in these populations. Since Glycine and Cysteine differ in polarity, charge, size or other properties, this is considered a non-conservative amino acid substitution. CDK4 Gly45Cys occurs at a position that is not conserved and is located in the protein kinase domain (UniProt). In silico analyses are inconsistent regarding the effect this variant may have on protein structure and function. Based on currently available evidence, it is unclear whether CDK4 Gly45Cys is a pathogenic or benign variant. We consider it to be a variant of uncertain significance.